The following is an entry in ClinVar:

ClinVar aggregate classification (germline): Pathogenic. Review status: reviewed by expert panel (3 of 4 stars). 6 submissions from 6 submitters: Pathogenic (1). 5 of the submissions do not count toward it. Last evaluated 2017-03-17.

Conditions:
CFTR-related disorder (CFTR-RD). Also called: CFTR-related disorders; CFTR-related condition. Identifiers: MedGen C5924204, MONDO:7770004.
Cystic fibrosis (CF). Also called: MUCOVISCIDOSIS. Identifiers: Orphanet 586, MedGen C0010674, MONDO:0009061, OMIM 219700. Disease mechanism: loss of function.
Bronchiectasis with or without elevated sweat chloride 1 (BESC1). Also called: Cystic Fibrosis-Like Syndrome. Identifiers: Orphanet 60033, MedGen C2749757, MONDO:0008887, OMIM 211400.

Allele frequency attached by ClinVar (database versions not stated): gnomAD exomes below 0.00001.

Submissions (6):

CFTR2
Classification: Pathogenic for Cystic fibrosis. Last evaluated: 2017-03-17. Review status: reviewed by expert panel. Criteria: Sosnay PR et al. (Nat Genet 2013). Collection method: research. Allele origin: germline. Affected: yes. Study: CFTR2.

Ambry Genetics
Classification: Pathogenic for Cystic fibrosis. Last evaluated: 2025-07-15. Review status: criteria provided, single submitter. Criteria: Ambry Variant Classification Scheme 2023. Collection method: clinical testing. Allele origin: germline. Not counted in ClinVar's aggregate classification.
Comment: The c.2896delA pathogenic mutation, located in coding exon 17 of the CFTR gene, results from a deletion of one nucleotide at nucleotide position 2896, causing a translational frameshift with a predicted alternate stop codon (p.T966Rfs*2). This alteration is expected to result in loss of function by premature protein truncation or nonsense-mediated mRNA decay. As such, this alteration is interpreted as a disease-causing mutation.

Natera, Inc.
Classification: Pathogenic for CFTR-related disorders. Last evaluated: 2025-02-18. Review status: criteria provided, single submitter. Criteria: Natera Variant Classification Schema (03/2026). Collection method: clinical testing. Allele origin: germline. Not counted in ClinVar's aggregate classification.
Comment: The c.2896delA variant in CFTR is a frameshift variant predicted to shift the reading frame beginning at codon 966 and leads to a stop codon 2 codons downstream. This variant is expected to result in nonsense mediated decay, truncation, or a dysfunctional protein product. This variant is rare in the general population with a frequency below the threshold expected for the associated phenotype(s). This variant has been observed in one or more individuals affected with the associated recessive disease, as either homozygous or compound heterozygous with a second variant (PMID: 35764510). Given the available evidence, this variant is classified as Pathogenic.

Labcorp Genetics (formerly Invitae), Labcorp
Classification: Pathogenic for Cystic fibrosis. Last evaluated: 2023-10-13. Review status: criteria provided, single submitter. Criteria: Invitae Variant Classification Sherloc (09022015). Collection method: clinical testing. Allele origin: germline. Not counted in ClinVar's aggregate classification.
Comment: This sequence change creates a premature translational stop signal (p.Thr966Argfs*2) in the CFTR gene. It is expected to result in an absent or disrupted protein product. Loss-of-function variants in CFTR are known to be pathogenic (PMID: 1695717, 7691345, 9725922). This variant is not present in population databases (gnomAD no frequency). This variant has not been reported in the literature in individuals affected with CFTR-related conditions. ClinVar contains an entry for this variant (Variation ID: 53587). For these reasons, this variant has been classified as Pathogenic.

Baylor Genetics
Classification: Pathogenic for Bronchiectasis with or without elevated sweat chloride 1. Last evaluated: 2023-02-19. Review status: criteria provided, single submitter. Criteria: ACMG Guidelines, 2015. Collection method: clinical testing. Allele origin: unknown. Not counted in ClinVar's aggregate classification.

Women's Health and Genetics/Laboratory Corporation of America, LabCorp
Classification: Pathogenic for Cystic fibrosis. Last evaluated: 2022-12-19. Review status: criteria provided, single submitter. Criteria: LabCorp Variant Classification Summary - May 2015. Collection method: clinical testing. Allele origin: germline. Not counted in ClinVar's aggregate classification.
Comment: Variant summary: CFTR c.2896delA (p.Thr966ArgfsX2) results in a premature termination codon, predicted to cause a truncation of the encoded protein or absence of the protein due to nonsense mediated decay, which are commonly known mechanisms for disease. Truncations downstream of this position have been classified as pathogenic by our laboratory. The variant was absent in 251282 control chromosomes. The variant, c.2896delA (aka. 3028delA) has been reported in the literature in multiple compound heterozygous individuals affected with Cystic Fibrosis (e.g. Ooi_2015, McCague_2019, Sasaki_2020). These data indicate that the variant is likely to be associated with disease. To our knowledge, no experimental evidence demonstrating an impact on protein function has been reported. Four submitters, including an expert panel (CFTR2), have provided clinical-significance assessments for this variant in ClinVar after 2014, and all classified the variant as pathogenic. Based on the evidence outlined above, the variant was classified as pathogenic.

Literature cited by the submitters: PubMed 35764510 (cited by Natera, Inc.); PubMed 1695717 (cited by Labcorp Genetics (formerly Invitae), Labcorp); PubMed 7691345 (cited by Labcorp Genetics (formerly Invitae), Labcorp); PubMed 9725922 (cited by Labcorp Genetics (formerly Invitae), Labcorp); PubMed 25963003 (cited by Women's Health and Genetics/Laboratory Corporation of America, LabCorp); PubMed 30888834 (cited by Women's Health and Genetics/Laboratory Corporation of America, LabCorp); PubMed 32483343 (cited by Women's Health and Genetics/Laboratory Corporation of America, LabCorp).

NM_000492.4(CFTR):c.2896del (p.Thr966fs)

Gene: CFTR (CF transmembrane conductance regulator; plus strand). Cytogenetic location: 7q31.2.
Variant type: Deletion.
Coding change: c.2896del on transcript NM_000492.4 (MANE Select); coding-DNA position 2896, one base deleted (A; older notation c.2896delA).
Protein change: p.Thr966fs; shifts the reading frame from threonine 966.
Molecular consequence: frameshift variant.
Genome position (GRCh38, 1-based): chr7:117,603,770, A deleted. VCF-style (leftmost placement, unchanged base first): chr7-117603769-CA-C. GRCh37 (hg19) VCF-style: chr7-117243823-CA-C.
Other names: 3028delA; c.2896delA (NM_000492.3); short protein forms T966fs.
Identifiers: ClinVar variation 53587 (VCV000053587.13), dbSNP rs397508451, ClinGen allele CA326956.